The following is an entry in ClinVar:

NM_020937.4(FANCM):c.3510G>A (p.Thr1170=)

Gene: FANCM (FA complementation group M; plus strand). Cytogenetic location: 14q21.2.
Variant type: single nucleotide variant.
Coding change: c.3510G>A on transcript NM_020937.4 (MANE Select); coding-DNA position 3510, G replaced by A.
Protein change: p.Thr1170=; no amino-acid change (threonine 1170 retained).
Molecular consequence: synonymous variant.
Genome position (GRCh38, 1-based): chr14:45,176,264, G>A. VCF-style: chr14-45176264-G-A. GRCh37 (hg19) VCF-style: chr14-45645467-G-A.
Other names: c.3432G>A, p.Thr1144= (NM_001308133.2); c.3510G>A (NM_020937.3).
Identifiers: ClinVar variation 696361 (VCV000696361.19), dbSNP rs749416896, ClinGen allele CA7169521.
Genomic context (GRCh38, chr14:45,176,264, plus strand): 5'-ACCCTTGAACAGTAAAAGCGAATCTTTACCTGTGTCAGACAAAACTGCTATTAGTGAAAC[G>A]CCTCTGGTCTCTCAGTTCTTAATTTCTGATGAACTTTTGTTGGACAATAATTCTGAACTC-3'
Protein context (NP_065988.1, residues 1160-1180): PVSDKTAISE[Thr1170=]PLVSQFLISD

ClinVar aggregate classification (germline): Likely benign. Review status: criteria provided, multiple submitters, no conflicts (2 of 4 stars). 5 submissions from 5 submitters: Likely benign (5). Last evaluated 2026-03-01.

Conditions:
Inborn genetic diseases. Identifiers: MedGen C0950123, MeSH D030342.
Fanconi anemia (FA). Also called: Fanconi's anemia. Identifiers: Orphanet 84, MedGen C0015625, MeSH D005199, MONDO:0019391.

Allele frequency attached by ClinVar (database versions not stated): gnomAD 0.00001; gnomAD exomes 0.00002; TOPMed 0.00002; ExAC 0.00003.
gnomAD v4.1: 21 of 1,613,806 alleles (0.0013%); highest among the groups gnomAD compares: Non-Finnish European, 0.0017%; no homozygotes.

Submissions (5):

CeGaT Center for Human Genetics Tuebingen
Classification: Likely benign. Last evaluated: 2026-03-01. Review status: criteria provided, single submitter. Criteria: CeGaT Center For Human Genetics Tuebingen Variant Classification Criteria Version 2. Collection method: clinical testing. Allele origin: germline. Affected: yes. Observed: 1 variant allele.
Comment: FANCM: BP4, BP7

Ambry Genetics
Classification: Likely benign for Inborn genetic diseases. Last evaluated: 2025-08-01. Review status: criteria provided, single submitter. Criteria: Ambry Variant Classification Scheme 2023. Collection method: clinical testing. Allele origin: germline.

Quest Diagnostics Nichols Institute San Juan Capistrano
Classification: Likely benign. Last evaluated: 2022-10-07. Review status: criteria provided, single submitter. Criteria: Quest Diagnostics criteria. Collection method: clinical testing. Allele origin: unknown.

Labcorp Genetics (formerly Invitae), Labcorp
Classification: Likely benign for Fanconi anemia. Last evaluated: 2022-05-09. Review status: criteria provided, single submitter. Criteria: Invitae Variant Classification Sherloc (09022015). Collection method: clinical testing. Allele origin: germline.

GeneDx
Classification: Likely benign. Last evaluated: 2020-09-09. Review status: criteria provided, single submitter. Criteria: GeneDx Variant Classification Process June 2021. Collection method: clinical testing. Allele origin: germline. Affected: yes.